The following is an entry in ClinVar:

ClinVar aggregate classification (germline): Uncertain significance (1 of 4 stars; one submission).

Submission:

GeneDx
Classification: Uncertain significance. Last evaluated: 2024-12-15. Review status: criteria provided, single submitter. Criteria: GeneDx Variant Classification Process June 2021. Collection method: clinical testing. Allele origin: germline. Affected: yes.
Comment: Not observed at significant frequency in large population cohorts (gnomAD); Canonical splice site variant in a gene or region of a gene for which loss of function is not a well-established mechanism of disease; Has not been previously published as pathogenic or benign to our knowledge

NM_005639.3(SYT1):c.167-1G>A

Gene: SYT1 (synaptotagmin 1; plus strand). Cytogenetic location: 12q21.2.
Variant type: single nucleotide variant.
Coding change: c.167-1G>A on transcript NM_005639.3 (MANE Select); the canonical splice acceptor site of the intron before coding-DNA position 167, G replaced by A.
Molecular consequence: splice acceptor variant.
Genome position (GRCh38, 1-based): chr12:79,285,786, G>A. VCF-style: chr12-79285786-G-A. GRCh37 (hg19) VCF-style: chr12-79679566-G-A.
Other names: c.167-1G>A (NM_001135805.2, NM_001415940.1, NM_001415943.1 and 6 more transcripts).
Identifiers: ClinVar variation 3902936 (VCV003902936.1).